The following is an entry in ClinVar:

ClinVar aggregate classification (germline): Pathogenic (1 of 4 stars; one submission).

Conditions:
Alstrom syndrome (ALMS). Identifiers: Orphanet 64, MedGen C0268425, MONDO:0008763, OMIM 203800.

Submission:

Labcorp Genetics (formerly Invitae), Labcorp
Classification: Pathogenic for Alstrom syndrome. Last evaluated: 2024-03-11. Review status: criteria provided, single submitter. Criteria: Invitae Variant Classification Sherloc (09022015). Collection method: clinical testing. Allele origin: germline.
Comment: This sequence change creates a premature translational stop signal (p.Trp3988*) in the ALMS1 gene. It is expected to result in an absent or disrupted protein product. Loss-of-function variants in ALMS1 are known to be pathogenic (PMID: 17594715). This variant is not present in population databases (gnomAD no frequency). This variant has not been reported in the literature in individuals affected with ALMS1-related conditions. ClinVar contains an entry for this variant (Variation ID: 1926773). Algorithms developed to predict the effect of sequence changes on RNA splicing suggest that this variant may disrupt the consensus splice site. For these reasons, this variant has been classified as Pathogenic.

Literature cited by the submitters: PubMed 17594715.

NM_001378454.1(ALMS1):c.11960G>A (p.Trp3987Ter)

Genes: ALMS1 (ALMS1 centrosome and basal body associated protein; plus strand), LOC126806252 (BRD4-independent group 4 enhancer GRCh37_chr2:73828496-73829695; plus strand). Cytogenetic location: 2p13.1.
Variant type: single nucleotide variant.
Coding change: c.11960G>A on transcript NM_001378454.1 (MANE Select); coding-DNA position 11960, G replaced by A.
Protein change: p.Trp3987Ter; replaces tryptophan 3987 with a stop codon.
Molecular consequence: nonsense.
Genome position (GRCh38, 1-based): chr2:73,601,282, G>A. VCF-style: chr2-73601282-G-A. GRCh37 (hg19) VCF-style: chr2-73828409-G-A.
Other names: c.11963G>A, p.Trp3988Ter (NM_015120.4); short protein forms W3988*, W3987*.
Identifiers: ClinVar variation 1926773 (VCV001926773.5), dbSNP rs1256944195, ClinGen allele CA347265917.